The following is an entry in ClinVar:

ClinVar aggregate classification (germline): Likely benign. Review status: criteria provided, single submitter (1 of 4 stars). 2 submissions from 2 submitters: Likely benign (1). 1 of the submissions does not count toward it. Last evaluated 2026-03-01.

Conditions:
CSMD3-related disorder. Also called: CSMD3-related condition.

Allele frequency attached by ClinVar (database versions not stated): TOPMed 0.00079; gnomAD 0.00094; ESP Exome Variant Server 0.00131; ExAC 0.00151.
gnomAD v4.1: 2,338 of 1,612,842 alleles (0.14%); highest among the groups gnomAD compares: Non-Finnish European, 0.18%; 5 homozygotes.

Submissions (2):

CeGaT Center for Human Genetics Tuebingen
Classification: Likely benign. Last evaluated: 2026-03-01. Review status: criteria provided, single submitter. Criteria: CeGaT Center For Human Genetics Tuebingen Variant Classification Criteria Version 2. Collection method: clinical testing. Allele origin: germline. Affected: yes. Observed: 2 variant alleles.
Comment: CSMD3: BS2

PreventionGenetics, part of Exact Sciences
Classification: Likely benign for CSMD3-related condition. Last evaluated: 2019-12-12. Review status: no assertion criteria provided. Collection method: clinical testing. Allele origin: germline. Not counted in ClinVar's aggregate classification.
Comment: This variant is classified as likely benign based on ACMG/AMP sequence variant interpretation guidelines (Richards et al. 2015 PMID: 25741868, with internal and published modifications).

NM_198123.2(CSMD3):c.6399C>T (p.Ser2133=)

Gene: CSMD3 (CUB and Sushi multiple domains 3; minus strand). Cytogenetic location: 8q23.3.
Variant type: single nucleotide variant.
Coding change: c.6399C>T on transcript NM_198123.2 (MANE Select); coding-DNA position 6399, C replaced by T.
Protein change: p.Ser2133=; no amino-acid change (serine 2133 retained).
Molecular consequence: synonymous variant.
Genome position (GRCh38, 1-based): chr8:112,346,140, G>A on the plus strand (C>T on the coding strand, the complement: CSMD3 is on the minus strand). VCF-style: chr8-112346140-G-A. GRCh37 (hg19) VCF-style: chr8-113358369-G-A.
Other names: c.5799C>T, p.Ser1933= (NM_001363185.1); c.6087C>T, p.Ser2029= (NM_052900.3); c.6279C>T, p.Ser2093= (NM_198124.2).
Identifiers: ClinVar variation 3048334 (VCV003048334.6), dbSNP rs141293957, ClinGen allele CA4849587.